The following is an entry in ClinVar:

ClinVar aggregate classification (germline): Pathogenic (1 of 4 stars; one submission).

Conditions:
Duchenne muscular dystrophy (DMD). Also called: Duchenne Muscular Dystrophy (DMD); MUSCULAR DYSTROPHY, PSEUDOHYPERTROPHIC PROGRESSIVE, DUCHENNE TYPE. Identifiers: Orphanet 98896, MedGen C0013264, MONDO:0010679, OMIM 310200.

Submission:

Labcorp Genetics (formerly Invitae), Labcorp
Classification: Pathogenic for Duchenne muscular dystrophy. Last evaluated: 2021-10-14. Review status: criteria provided, single submitter. Criteria: Invitae Variant Classification Sherloc (09022015). Collection method: clinical testing. Allele origin: germline.
Comment: This variant results in a copy number gain of the genomic region encompassing exon(s) 10-11 of the DMD gene. While the exact position of this variant cannot be determined from the data, sub-genic copy number gains are generally in tandem (PMID: 25640679). This variant is predicted to be out-of-frame, and may result in an absent or disrupted protein product. Loss-of-function variants in DMD are known to be pathogenic (PMID: 16770791, 25007885). A similar copy number variant has been observed in individuals with muscular dystrophy (PMID: 16917894, 18752307, 28181689). For these reasons, this variant has been classified as Pathogenic.

Literature cited by the submitters: PubMed 25640679; PubMed 16770791; PubMed 25007885; PubMed 16917894; PubMed 18752307; PubMed 28181689.

NC_000023.10:g.(?_32662229)_(32663289_?)dup

Gene: DMD (dystrophin; minus strand). Cytogenetic location: Xp21.1.
Variant type: Duplication.
Identifiers: ClinVar variation 1459488 (VCV001459488.1).